The following is an entry in ClinVar:

NM_172107.4(KCNQ2):c.1848C>T (p.Asp616=)

Gene: KCNQ2 (potassium voltage-gated channel subfamily Q member 2; minus strand). Cytogenetic location: 20q13.33.
Variant type: single nucleotide variant.
Coding change: c.1848C>T on transcript NM_172107.4 (MANE Select); coding-DNA position 1848, C replaced by T.
Protein change: p.Asp616=; no amino-acid change (aspartic acid 616 retained).
Molecular consequence: synonymous variant.
Genome position (GRCh38, 1-based): chr20:63,408,452, G>A on the plus strand (C>T on the coding strand, the complement: KCNQ2 is on the minus strand). VCF-style: chr20-63408452-G-A. GRCh37 (hg19) VCF-style: chr20-62039805-G-A.
Other names: c.1902C>T, p.Asp634= (NM_001382235.1); c.1764C>T, p.Asp588= (NM_004518.6); c.1794C>T, p.Asp598= (NM_172106.3); c.1755C>T, p.Asp585= (NM_172108.5).
Identifiers: ClinVar variation 1879537 (VCV001879537.29), dbSNP rs2516117832, ClinGen allele CA511203548.

ClinVar aggregate classification (germline): Likely benign (1 of 4 stars; one submission).

Submission:

CeGaT Center for Human Genetics Tuebingen
Classification: Likely benign. Last evaluated: 2022-10-01. Review status: criteria provided, single submitter. Criteria: CeGaT Center For Human Genetics Tuebingen Variant Classification Criteria Version 2. Collection method: clinical testing. Allele origin: germline. Affected: yes. Observed: 1 variant allele.
Comment: KCNQ2: PM2:Supporting, BP4, BP7